The following is an entry in ClinVar:

NM_000112.4(SLC26A2):c.940G>A (p.Val314Ile)

Gene: SLC26A2 (solute carrier family 26 member 2; plus strand). Cytogenetic location: 5q32.
Variant type: single nucleotide variant.
Coding change: c.940G>A on transcript NM_000112.4 (MANE Select); coding-DNA position 940, G replaced by A.
Protein change: p.Val314Ile; replaces valine 314 with isoleucine.
Molecular consequence: missense variant.
Genome position (GRCh38, 1-based): chr5:149,980,533, G>A. VCF-style: chr5-149980533-G-A. GRCh37 (hg19) VCF-style: chr5-149360096-G-A.
Other names: c.940G>A (NM_000112.3); short protein forms V314I.
Identifiers: ClinVar variation 1392322 (VCV001392322.5), dbSNP rs777527899, ClinGen allele CA3505357.

ClinVar aggregate classification (germline): Uncertain significance. Review status: criteria provided, multiple submitters, no conflicts (2 of 4 stars). 3 submissions from 3 submitters: Uncertain significance (3). Last evaluated 2025-01-03.

Conditions:
Achondrogenesis, type IB (ACG1B). Also called: Achondrogenesis Type 1B. Identifiers: Orphanet 932, Orphanet 93298, MedGen C0265274, MONDO:0010966, OMIM 600972.
Atelosteogenesis type II (AO2). Also called: NEONATAL OSSEOUS DYSPLASIA I; Neonatal osseous dysplasia 1; SLC26A2-Related Atelosteogenesis. Identifiers: Orphanet 56304, MedGen C1850554, MONDO:0009727, OMIM 256050.
Diastrophic dysplasia (DTD). Also called: Diastrophic dwarfism. Identifiers: Orphanet 628, MedGen C0220726, MONDO:0009107, OMIM 222600.
Multiple epiphyseal dysplasia type 4 (EDM4). Also called: SLC26A2-Related Multiple Epiphyseal Dysplasia; Multiple Epiphyseal Dysplasia, Recessive; MULTIPLE EPIPHYSEAL DYSPLASIA WITH BILAYERED PATELLAE; MULTIPLE EPIPHYSEAL DYSPLASIA WITH CLUBFOOT; MULTIPLE EPIPHYSEAL DYSPLASIA, AUTOSOMAL RECESSIVE. Identifiers: Orphanet 93307, MedGen C1847593, MONDO:0009189, OMIM 226900.
Inborn genetic diseases. Identifiers: MedGen C0950123, MeSH D030342.

Allele frequency attached by ClinVar (database versions not stated): gnomAD exomes below 0.00001 and 0.00001; TOPMed below 0.00001; ExAC 0.00002.
gnomAD v4.1: 6 of 1,614,094 alleles (0.00037%); highest among the groups gnomAD compares: Admixed American, 0.0083%; no homozygotes.

Submissions (3):

GeneDx
Classification: Uncertain significance. Last evaluated: 2025-01-03. Review status: criteria provided, single submitter. Criteria: GeneDx Variant Classification Process June 2021. Collection method: clinical testing. Allele origin: germline. Affected: yes.
Comment: Not observed at significant frequency in large population cohorts (gnomAD); In silico analysis indicates that this missense variant does not alter protein structure/function; Has not been previously published as pathogenic or benign to our knowledge

Labcorp Genetics (formerly Invitae), Labcorp
Classification: Uncertain significance for Atelosteogenesis type II; Multiple epiphyseal dysplasia type 4; Achondrogenesis, type IB; Diastrophic dysplasia. Last evaluated: 2022-10-05. Review status: criteria provided, single submitter. Criteria: Invitae Variant Classification Sherloc (09022015). Collection method: clinical testing. Allele origin: germline.
Comment: This sequence change replaces valine, which is neutral and non-polar, with isoleucine, which is neutral and non-polar, at codon 314 of the SLC26A2 protein (p.Val314Ile). This variant is present in population databases (rs777527899, gnomAD 0.009%). This variant has not been reported in the literature in individuals affected with SLC26A2-related conditions. ClinVar contains an entry for this variant (Variation ID: 1392322). Advanced modeling of protein sequence and biophysical properties (such as structural, functional, and spatial information, amino acid conservation, physicochemical variation, residue mobility, and thermodynamic stability) performed at Invitae indicates that this missense variant is not expected to disrupt SLC26A2 protein function. In summary, the available evidence is currently insufficient to determine the role of this variant in disease. Therefore, it has been classified as a Variant of Uncertain Significance.

Ambry Genetics
Classification: Uncertain significance for Inborn genetic diseases. Last evaluated: 2021-08-16. Review status: criteria provided, single submitter. Criteria: Ambry Variant Classification Scheme 2023. Collection method: clinical testing. Allele origin: germline.